The following is an entry in ClinVar:

NM_018109.4(MTPAP):c.776A>G (p.His259Arg)

Gene: MTPAP (mitochondrial poly(A) polymerase; minus strand). Cytogenetic location: 10p11.23.
Variant type: single nucleotide variant.
Coding change: c.776A>G on transcript NM_018109.4 (MANE Select); coding-DNA position 776, A replaced by G.
Protein change: p.His259Arg; replaces histidine 259 with arginine.
Molecular consequence: missense variant.
Genome position (GRCh38, 1-based): chr10:30,336,807, T>C on the plus strand (A>G on the coding strand, the complement: MTPAP is on the minus strand). VCF-style: chr10-30336807-T-C. GRCh37 (hg19) VCF-style: chr10-30625736-T-C.
Other names: short protein forms H259R.
Identifiers: ClinVar variation 2131330 (VCV002131330.4), dbSNP rs377094671, ClinGen allele CA376425248.

ClinVar aggregate classification (germline): Uncertain significance (1 of 4 stars; one submission).

Allele frequency attached by ClinVar (database versions not stated): gnomAD exomes below 0.00001.
gnomAD v4.1: 2 of 1,600,608 alleles (0.00012%); highest among the groups gnomAD compares: South Asian, 0.0011%; no homozygotes.

Submission:

Labcorp Genetics (formerly Invitae), Labcorp
Classification: Uncertain significance. Last evaluated: 2022-05-16. Review status: criteria provided, single submitter. Criteria: Invitae Variant Classification Sherloc (09022015). Collection method: clinical testing. Allele origin: germline.
Comment: In summary, the available evidence is currently insufficient to determine the role of this variant in disease. Therefore, it has been classified as a Variant of Uncertain Significance. Algorithms developed to predict the effect of missense changes on protein structure and function (SIFT, PolyPhen-2, Align-GVGD) all suggest that this variant is likely to be tolerated. This variant has not been reported in the literature in individuals affected with MTPAP-related conditions. This variant is present in population databases (no rsID available, gnomAD 0.0009%). This sequence change replaces histidine, which is basic and polar, with arginine, which is basic and polar, at codon 259 of the MTPAP protein (p.His259Arg).